The following is an entry in ClinVar:

NM_000719.7(CACNA1C):c.6341C>A (p.Ala2114Glu)

Genes: CACNA1C (calcium voltage-gated channel subunit alpha1 C; plus strand), CACNA1C-AS1 (CACNA1C antisense RNA 1; minus strand). Cytogenetic location: 12p13.33.
Variant type: single nucleotide variant.
Coding change: c.6341C>A on transcript NM_000719.7 (MANE Select); coding-DNA position 6341, C replaced by A.
Protein change: p.Ala2114Glu; replaces alanine 2114 with glutamic acid.
Molecular consequence: missense variant. On other transcripts: non-coding transcript variant (1).
Genome position (GRCh38, 1-based): chr12:2,691,123, C>A. VCF-style: chr12-2691123-C-A. GRCh37 (hg19) VCF-style: chr12-2800289-C-A.
Other names: c.6485C>A, p.Ala2162Glu (NM_001129827.2); c.6464C>A, p.Ala2155Glu (NM_001129829.2); c.6446C>A, p.Ala2149Glu (NM_001129830.3, NM_001167624.3); c.6425C>A, p.Ala2142Glu (NM_001129831.2); c.6401C>A, p.Ala2134Glu (NM_001129832.2); c.6398C>A, p.Ala2133Glu (NM_001129833.2, NM_001129834.2, NM_001129835.2); c.6392C>A, p.Ala2131Glu (NM_001129836.2); c.6365C>A, p.Ala2122Glu (NM_001129837.2, NM_001129838.2); and 6 more; short protein forms A2114E, A2133E, A2155E, A2111E, A2122E, A2120E, A2131E, A2134E.
Identifiers: ClinVar variation 2129612 (VCV002129612.4), dbSNP rs2535517988, ClinGen allele CA383387446.

ClinVar aggregate classification (germline): Uncertain significance (1 of 4 stars; one submission).

Conditions:
Long QT syndrome (LQTS). Identifiers: MedGen C0023976, MeSH D008133, MONDO:0002442. Disease mechanism: loss of function. Inheritance: Various modes of inheritance.

Submission:

Labcorp Genetics (formerly Invitae), Labcorp
Classification: Uncertain significance for Long QT syndrome. Last evaluated: 2022-04-23. Review status: criteria provided, single submitter. Criteria: Invitae Variant Classification Sherloc (09022015). Collection method: clinical testing. Allele origin: germline.
Comment: This variant has not been reported in the literature in individuals affected with CACNA1C-related conditions. This variant is not present in population databases (gnomAD no frequency). This sequence change replaces alanine, which is neutral and non-polar, with glutamic acid, which is acidic and polar, at codon 2114 of the CACNA1C protein (p.Ala2114Glu). Algorithms developed to predict the effect of missense changes on protein structure and function output the following: SIFT: "Tolerated"; PolyPhen-2: "Benign"; Align-GVGD: "Class C0". The glutamic acid amino acid residue is found in multiple mammalian species, which suggests that this missense change does not adversely affect protein function. In summary, the available evidence is currently insufficient to determine the role of this variant in disease. Therefore, it has been classified as a Variant of Uncertain Significance.